The following is an entry in ClinVar:

NM_031885.5(BBS2):c.1152C>T (p.His384=)

Gene: BBS2 (Bardet-Biedl syndrome 2; minus strand). Cytogenetic location: 16q13.
Variant type: single nucleotide variant.
Coding change: c.1152C>T on transcript NM_031885.5 (MANE Select); coding-DNA position 1152, C replaced by T.
Protein change: p.His384=; no amino-acid change (histidine 384 retained).
Molecular consequence: synonymous variant. On other transcripts: non-coding transcript variant (5).
Genome position (GRCh38, 1-based): chr16:56,501,426, G>A on the plus strand (C>T on the coding strand, the complement: BBS2 is on the minus strand). VCF-style: chr16-56501426-G-A. GRCh37 (hg19) VCF-style: chr16-56535338-G-A.
Other names: c.1152C>T, p.His384= (NM_001377456.1).
Identifiers: ClinVar variation 531841 (VCV000531841.14), dbSNP rs774493134, ClinGen allele CA8065821.

ClinVar aggregate classification (germline): Likely benign. Review status: criteria provided, multiple submitters, no conflicts (2 of 4 stars). 3 submissions from 3 submitters: Likely benign (2). 1 of the submissions does not count toward it. Last evaluated 2026-01-21.

Conditions:
BBS2-related disorder. Also called: BBS2-related disorders; BBS2-related condition. Identifiers: MedGen CN239228.
Bardet-Biedl syndrome (BBS). Identifiers: Orphanet 110, MedGen C0752166, MONDO:0015229.

Allele frequency attached by ClinVar (database versions not stated): gnomAD exomes 0.00001 and 0.00002; ExAC 0.00002; TOPMed 0.00004; gnomAD 0.00005.
gnomAD v4.1: 27 of 1,614,066 alleles (0.0017%); highest among the groups gnomAD compares: African/African-American, 0.023%; no homozygotes.

Submissions (3):

Labcorp Genetics (formerly Invitae), Labcorp
Classification: Likely benign for Bardet-Biedl syndrome. Last evaluated: 2026-01-21. Review status: criteria provided, single submitter. Criteria: Invitae Variant Classification Sherloc (09022015). Collection method: clinical testing. Allele origin: germline.

Blueprint Genetics
Classification: Likely benign. Last evaluated: 2023-12-01. Review status: criteria provided, single submitter. Criteria: ACMG Guidelines, 2015. Collection method: clinical testing. Allele origin: germline.

PreventionGenetics, part of Exact Sciences
Classification: Likely benign for BBS2-related condition. Last evaluated: 2021-08-11. Review status: no assertion criteria provided. Collection method: clinical testing. Allele origin: germline. Not counted in ClinVar's aggregate classification.
Comment: This variant is classified as likely benign based on ACMG/AMP sequence variant interpretation guidelines (Richards et al. 2015 PMID: 25741868, with internal and published modifications).